The following is an entry in ClinVar:

ClinVar aggregate classification (germline): Conflicting classifications of pathogenicity. Review status: criteria provided, conflicting classifications (1 of 4 stars). 3 submissions from 3 submitters: Uncertain significance (2); Likely benign (1). Last evaluated 2024-06-04.

Conditions:
Amyotrophic lateral sclerosis type 1 (ALS1). Also called: AMYOTROPHIC LATERAL SCLEROSIS 1, FAMILIAL. Identifiers: Orphanet 803, MedGen C1862939, MONDO:0007103, OMIM 105400.
Neuronopathy, distal hereditary motor, type 7B. Also called: Distal Hereditary Motor Neuronopathy Type 7B (dHMN7B); NEURONOPATHY, DISTAL HEREDITARY MOTOR, AUTOSOMAL DOMINANT 14; NEURONOPATHY, DISTAL HEREDITARY MOTOR, HARDING TYPE VIIB; NEUROPATHY, DISTAL HEREDITARY MOTOR, HARDING TYPE VIIB; NEUROPATHY, DISTAL HEREDITARY MOTOR, WITH VOCAL CORD PARALYSIS, HARDING TYPE VIIB; HMN VIIB. Identifiers: Orphanet 139589, MedGen C1843315, MONDO:0011879, OMIM 607641.
Perry syndrome. Also called: PARKINSONISM WITH ALVEOLAR HYPOVENTILATION AND MENTAL DEPRESSION. Identifiers: Orphanet 178509, MedGen C1868594, MONDO:0008201, OMIM 168605.

Allele frequency attached by ClinVar (database versions not stated): gnomAD 0.00001; TOPMed 0.00001; gnomAD exomes 0.00003; ExAC 0.00004; ESP Exome Variant Server 0.00008.

Submissions (3):

Labcorp Genetics (formerly Invitae), Labcorp
Classification: Likely benign for Amyotrophic lateral sclerosis type 1; Neuronopathy, distal hereditary motor, type 7B; Perry syndrome. Last evaluated: 2024-06-04. Review status: criteria provided, single submitter. Criteria: Invitae Variant Classification Sherloc (09022015). Collection method: clinical testing. Allele origin: germline.

GeneDx
Classification: Uncertain significance. Last evaluated: 2022-04-19. Review status: criteria provided, single submitter. Criteria: GeneDx Variant Classification Process June 2021. Collection method: clinical testing. Allele origin: germline. Affected: yes.
Comment: In-silico analysis is inconclusive as to whether the variant alters gene splicing. In the absence of RNA/functional studies, the actual effect of this sequence change is unknown.; Has not been previously published as pathogenic or benign to our knowledge

CeGaT Center for Human Genetics Tuebingen
Classification: Uncertain significance. Last evaluated: 2019-05-01. Review status: criteria provided, single submitter. Criteria: CeGaT Center For Human Genetics Tuebingen Variant Classification Criteria Version 2. Collection method: clinical testing. Allele origin: germline. Affected: yes. Observed: 1 variant allele.

NM_004082.5(DCTN1):c.2511C>T (p.Val837=)

Gene: DCTN1 (dynactin subunit 1; minus strand). Cytogenetic location: 2p13.1.
Variant type: single nucleotide variant.
Coding change: c.2511C>T on transcript NM_004082.5 (MANE Select); coding-DNA position 2511, C replaced by T.
Protein change: p.Val837=; no amino-acid change (valine 837 retained).
Molecular consequence: synonymous variant. On other transcripts: non-coding transcript variant (1).
Genome position (GRCh38, 1-based): chr2:74,366,576, G>A on the plus strand (C>T on the coding strand, the complement: DCTN1 is on the minus strand). VCF-style: chr2-74366576-G-A. GRCh37 (hg19) VCF-style: chr2-74593703-G-A.
Other names: c.2451C>T, p.Val817= (NM_001135040.3); c.2109C>T, p.Val703= (NM_001135041.3, NM_023019.4); c.2400C>T, p.Val800= (NM_001190836.2); c.2490C>T, p.Val830= (NM_001190837.2); c.2460C>T, p.Val820= (NM_001378991.1); c.2442C>T, p.Val814= (NM_001378992.1).
Identifiers: ClinVar variation 755203 (VCV000755203.52), dbSNP rs377519506, ClinGen allele CA1721816.